The following is an entry in ClinVar:

NM_000059.4(BRCA2):c.4534C>A (p.Arg1512Ser)

Gene: BRCA2 (BRCA2 DNA repair associated; plus strand). Cytogenetic location: 13q13.1.
Variant type: single nucleotide variant.
Coding change: c.4534C>A on transcript NM_000059.4 (MANE Select); coding-DNA position 4534, C replaced by A.
Protein change: p.Arg1512Ser; replaces arginine 1512 with serine.
Molecular consequence: missense variant.
Genome position (GRCh38, 1-based): chr13:32,338,889, C>A. VCF-style: chr13-32338889-C-A. GRCh37 (hg19) VCF-style: chr13-32913026-C-A.
Other names: short protein forms R1512S.
Identifiers: ClinVar variation 824983 (VCV000824983.10), dbSNP rs80358684, ClinGen allele CA387781714.

ClinVar aggregate classification (germline): Conflicting classifications of pathogenicity. Review status: criteria provided, conflicting classifications (1 of 4 stars). 3 submissions from 3 submitters: Uncertain significance (2); Likely benign (1). Last evaluated 2023-07-07.

Conditions:
Hereditary cancer-predisposing syndrome. Also called: Neoplastic Syndromes, Hereditary; Tumor predisposition; Hereditary neoplastic syndrome; Hereditary Cancer Syndrome. Identifiers: Orphanet 140162, MedGen C0027672, MeSH D009386, MONDO:0015356.
Hereditary breast ovarian cancer syndrome. Also called: Hereditary breast and ovarian cancer syndrome; Hereditary breast and ovarian cancer; Hereditary breast and ovarian cancer syndrome (HBOC); Breast and ovarian cancer; Hereditary breast and/or ovarian cancer syndrome; BRCA1- and BRCA2-Associated Hereditary Breast and Ovarian Cancer. Identifiers: Orphanet 145, MedGen C0677776, MeSH D061325, MONDO:0003582. Disease mechanism: loss of function.

gnomAD v4.1: 1 of 1,613,854 alleles (0.000062%); highest among the groups gnomAD compares: Admixed American, 0.0017%; no homozygotes.

Submissions (3):

Labcorp Genetics (formerly Invitae), Labcorp
Classification: Uncertain significance for Hereditary breast ovarian cancer syndrome. Last evaluated: 2023-07-07. Review status: criteria provided, single submitter. Criteria: Invitae Variant Classification Sherloc (09022015). Collection method: clinical testing. Allele origin: germline.
Comment: Advanced modeling of protein sequence and biophysical properties (such as structural, functional, and spatial information, amino acid conservation, physicochemical variation, residue mobility, and thermodynamic stability) performed at Invitae indicates that this missense variant is not expected to disrupt BRCA2 protein function. In summary, the available evidence is currently insufficient to determine the role of this variant in disease. Therefore, it has been classified as a Variant of Uncertain Significance. This sequence change replaces arginine, which is basic and polar, with serine, which is neutral and polar, at codon 1512 of the BRCA2 protein (p.Arg1512Ser). This variant is present in population databases (no rsID available, gnomAD 0.003%). This missense change has been observed in individual(s) with pancreatic cancer, breast cancer, and/or ovarian cancer (PMID: 31432501, 31907386). ClinVar contains an entry for this variant (Variation ID: 824983).

University of Washington Department of Laboratory Medicine, University of Washington
Classification: Likely benign for Hereditary cancer-predisposing syndrome. Last evaluated: 2023-03-23. Review status: criteria provided, single submitter. Criteria: Dines et al. (Genet Med. 2020). Collection method: curation. Allele origin: germline.
Comment: Missense variant in a coldspot region where missense variants are very unlikely to be pathogenic (PMID:31911673).

BRCA2 exon 11 coldspot. Reclassification based on statistical prior probability.

Ambry Genetics
Classification: Uncertain significance for Hereditary cancer-predisposing syndrome. Last evaluated: 2019-01-08. Review status: criteria provided, single submitter. Criteria: Ambry Variant Classification Scheme 2023. Collection method: clinical testing. Allele origin: germline.
Comment: The p.R1512S variant (also known as c.4534C>A), located in coding exon 10 of the BRCA2 gene, results from a C to A substitution at nucleotide position 4534. The arginine at codon 1512 is replaced by serine, an amino acid with dissimilar properties. This amino acid position is poorly conserved in available vertebrate species. In addition, this alteration is predicted to be tolerated by in silico analysis. Since supporting evidence is limited at this time, the clinical significance of this alteration remains unclear.

Literature cited by the submitters: PubMed 31432501 (cited by Labcorp Genetics (formerly Invitae), Labcorp); PubMed 31907386 (cited by Labcorp Genetics (formerly Invitae), Labcorp).